The following is an entry in ClinVar:

ClinVar aggregate classification (germline): Conflicting classifications of pathogenicity. Review status: criteria provided, conflicting classifications (1 of 4 stars). 2 submissions from 2 submitters: Uncertain significance (1); Likely benign (1). Last evaluated 2024-01-09.

Conditions:
Fanconi anemia (FA). Also called: Fanconi's anemia. Identifiers: Orphanet 84, MedGen C0015625, MeSH D005199, MONDO:0019391.

Allele frequency attached by ClinVar (database versions not stated): gnomAD exomes 0.00001; gnomAD 0.00002.

Submissions (2):

Labcorp Genetics (formerly Invitae), Labcorp
Classification: Likely benign for Fanconi anemia. Last evaluated: 2024-01-09. Review status: criteria provided, single submitter. Criteria: Invitae Variant Classification Sherloc (09022015). Collection method: clinical testing. Allele origin: germline.

Sema4
Classification: Uncertain significance for Fanconi anemia. Last evaluated: 2021-08-25. Review status: criteria provided, single submitter. Criteria: Sema4 Curation Guidelines. Collection method: curation. Allele origin: germline.
Comment: The FANCB c.1327-11_1327-10insC variant has not been reported in the literature to our knowledge. It was not observed in the large and broad cohorts of the Genome Aggregation Database (PMID: 32461654). The variant has not been reported in ClinVar. In silico tools suggest that the variant does not have an impact on splicing, though these predictions have not been confirmed by functional studies. The evidence is insufficient to meet ACMG/AMP criteria for classifying the variant as benign or pathogenic. Thus, the clinical significance of this variant is currently uncertain.

NM_001018113.3(FANCB):c.1327-11_1327-10insC

Gene: FANCB (FA complementation group B; minus strand). Cytogenetic location: Xp22.2.
Variant type: Insertion.
Coding change: c.1327-11_1327-10insC on transcript NM_001018113.3 (MANE Select); 11 bases into the intron before coding-DNA position 1327 through 10 bases into the intron before coding-DNA position 1327, C inserted.
Molecular consequence: intron variant.
Genome position: GRCh38 VCF-style: chrX-14850684-A-AG. GRCh37 (hg19) VCF-style: chrX-14868806-A-AG.
Other names: c.1327-11_1327-10insC (NM_001324162.2, NM_152633.4).
Identifiers: ClinVar variation 1692529 (VCV001692529.4), dbSNP rs1312589379, ClinGen allele CA872787906.